The following is an entry in ClinVar:

NM_023036.6(DNAI2):c.1186_1193del (p.Arg396fs)

Gene: DNAI2 (dynein axonemal intermediate chain 2; plus strand). Cytogenetic location: 17q25.1.
Variant type: Deletion.
Coding change: c.1186_1193del on transcript NM_023036.6 (MANE Select); coding-DNA positions 1186 to 1193, 8 bases deleted (CGGGAATC; older notation c.1186_1193delCGGGAATC).
Protein change: p.Arg396fs; shifts the reading frame from arginine 396.
Molecular consequence: frameshift variant. On other transcripts: non-coding transcript variant (1).
Genome position (GRCh38, 1-based): chr17:74,305,417-74,305,424, CGGGAATC deleted; deleting any 8 consecutive bases within chr17:74,305,416-74,305,424 gives the same sequence; the c. name uses the placement nearest the transcript's 3' end. VCF-style (leftmost placement, unchanged base first): chr17-74305415-GCCGGGAAT-G. GRCh37 (hg19) VCF-style: chr17-72301554-GCCGGGAAT-G.
Other names: c.1186_1193del, p.Arg396fs (NM_001172810.3, NM_001353167.2); short protein forms R396fs.
Identifiers: ClinVar variation 2703075 (VCV002703075.3), dbSNP rs2509752841, ClinGen allele CA2697555114.

ClinVar aggregate classification (germline): Pathogenic (1 of 4 stars; one submission).

Conditions:
Primary ciliary dyskinesia. Also called: Ciliary dyskinesia. Identifiers: Orphanet 244, MedGen C0008780, MONDO:0016575, HP:0012265.

Submission:

Labcorp Genetics (formerly Invitae), Labcorp
Classification: Pathogenic for Primary ciliary dyskinesia. Last evaluated: 2024-03-07. Review status: criteria provided, single submitter. Criteria: Invitae Variant Classification Sherloc (09022015). Collection method: clinical testing. Allele origin: germline.
Comment: This sequence change creates a premature translational stop signal (p.Arg396Valfs*14) in the DNAI2 gene. It is expected to result in an absent or disrupted protein product. Loss-of-function variants in DNAI2 are known to be pathogenic (PMID: 18950741, 23891469). This variant is not present in population databases (gnomAD no frequency). This variant has not been reported in the literature in individuals affected with DNAI2-related conditions. For these reasons, this variant has been classified as Pathogenic.

Literature cited by the submitters: PubMed 18950741; PubMed 23891469.